The following is an entry in ClinVar:

ClinVar aggregate classification (germline): Uncertain significance. Review status: criteria provided, multiple submitters, no conflicts (2 of 4 stars). 2 submissions from 2 submitters: Uncertain significance (2). Last evaluated 2023-06-08.

Allele frequency attached by ClinVar (database versions not stated): gnomAD 0.00001 and 0.00002; TOPMed 0.00002; ExAC 0.00003; gnomAD exomes 0.00003 and 0.00008.

Submissions (2):

Blueprint Genetics
Classification: Uncertain significance. Last evaluated: 2023-06-08. Review status: criteria provided, single submitter. Criteria: ACMG Guidelines, 2015. Collection method: clinical testing. Allele origin: germline.

Labcorp Genetics (formerly Invitae), Labcorp
Classification: Uncertain significance. Last evaluated: 2022-10-13. Review status: criteria provided, single submitter. Criteria: Invitae Variant Classification Sherloc (09022015). Collection method: clinical testing. Allele origin: germline.
Comment: ClinVar contains an entry for this variant (Variation ID: 935561). In summary, the available evidence is currently insufficient to determine the role of this variant in disease. Therefore, it has been classified as a Variant of Uncertain Significance. Algorithms developed to predict the effect of missense changes on protein structure and function are either unavailable or do not agree on the potential impact of this missense change (SIFT: "Deleterious"; PolyPhen-2: "Probably Damaging"; Align-GVGD: "Class C0"). This variant has not been reported in the literature in individuals affected with KIAA1549-related conditions. This variant is present in population databases (rs201971121, gnomAD 0.006%). This sequence change replaces glutamine, which is neutral and polar, with arginine, which is basic and polar, at codon 1940 of the KIAA1549 protein (p.Gln1940Arg).

NM_001164665.2(KIAA1549):c.5819A>G (p.Gln1940Arg)

Gene: KIAA1549 (KIAA1549; minus strand). Cytogenetic location: 7q34.
Variant type: single nucleotide variant.
Coding change: c.5819A>G on transcript NM_001164665.2 (MANE Select); coding-DNA position 5819, A replaced by G.
Protein change: p.Gln1940Arg; replaces glutamine 1940 with arginine.
Molecular consequence: missense variant.
Genome position (GRCh38, 1-based): chr7:138,837,940, T>C on the plus strand (A>G on the coding strand, the complement: KIAA1549 is on the minus strand). VCF-style: chr7-138837940-T-C. GRCh37 (hg19) VCF-style: chr7-138522685-T-C.
Other names: c.5771A>G, p.Gln1924Arg (NM_020910.3); short protein forms Q1924R, Q1940R.
Identifiers: ClinVar variation 935561 (VCV000935561.8), dbSNP rs201971121, ClinGen allele CA4505460.
Genomic context (GRCh38, chr7:138,837,940, plus strand): 5'-TTGGCAAATCTGCGAGGCGAGGCCGATCAGCTGTGGAAGTTCTGCACGGTGCTCTGTTTC[T>C]GGGAGAGCCGGAGGAGCTCCTCGCGGATTGCTTTGATGAGAGAGGCCGAGGAGTGGCCAG-3'
Protein context (NP_001158137.1, residues 1930-1950): AIREELLRLS[Gln1940Arg]KQSTVQNFHS